The following is an entry in ClinVar:

ClinVar aggregate classification (germline): Likely benign. Review status: criteria provided, multiple submitters, no conflicts (2 of 4 stars). 2 submissions from 2 submitters: Likely benign (2). Last evaluated 2018-06-16.

Allele frequency attached by ClinVar (database versions not stated): 1000 Genomes Project 0.00280; 1000 Genomes Project 30x 0.00328; TOPMed 0.00706; gnomAD 0.00764 and 0.00794.
gnomAD v4.1: 1,173 of 152,300 alleles (0.77%); highest among the groups gnomAD compares: Non-Finnish European, 1.2%; 11 homozygotes.

Submissions (2):

GeneDx
Classification: Likely benign. Last evaluated: 2018-06-16. Review status: criteria provided, single submitter. Criteria: GeneDx Variant Classification (06012015). Collection method: clinical testing. Allele origin: germline. Affected: yes.
Comment: This variant is considered likely benign or benign based on one or more of the following criteria: it is a conservative change, it occurs at a poorly conserved position in the protein, it is predicted to be benign by multiple in silico algorithms, and/or has population frequency not consistent with disease.

Breakthrough Genomics
Classification: Likely benign. Review status: criteria provided, single submitter. Criteria: ACMG Guidelines, 2015. Collection method: not provided. Allele origin: germline. Inheritance: Autosomal recessive inheritance. Affected: yes.

NM_033109.5(PNPT1):c.1442-159T>A

Gene: PNPT1 (polyribonucleotide nucleotidyltransferase 1; minus strand). Cytogenetic location: 2p16.1.
Variant type: single nucleotide variant.
Coding change: c.1442-159T>A on transcript NM_033109.5 (MANE Select); 159 bases into the intron before coding-DNA position 1442, T replaced by A.
Molecular consequence: intron variant.
Genome position (GRCh38, 1-based): chr2:55,655,112, A>T on the plus strand (T>A on the coding strand, the complement: PNPT1 is on the minus strand). VCF-style: chr2-55655112-A-T. GRCh37 (hg19) VCF-style: chr2-55882247-A-T.
Identifiers: ClinVar variation 674130 (VCV000674130.2), dbSNP rs190655176, ClinGen allele CA47654895.